The following is an entry in ClinVar:

NM_145117.5(NAV2):c.4356C>T (p.Thr1452=)

Genes: NAV2 (neuron navigator 2; plus strand), NAV2-AS2 (NAV2 antisense RNA 2; minus strand), LOC126861158 (BRD4-independent group 4 enhancer GRCh37_chr11:20070019-20071218; plus strand). Cytogenetic location: 11p15.1.
Variant type: single nucleotide variant.
Coding change: c.4356C>T on transcript NM_145117.5 (MANE Select); coding-DNA position 4356, C replaced by T.
Protein change: p.Thr1452=; no amino-acid change (threonine 1452 retained).
Molecular consequence: synonymous variant. On other transcripts: non-coding transcript variant (1).
Genome position (GRCh38, 1-based): chr11:20,049,181, C>T. VCF-style: chr11-20049181-C-T. GRCh37 (hg19) VCF-style: chr11-20070727-C-T.
Other names: c.4164C>T, p.Thr1388= (NM_001111018.2); c.1614C>T, p.Thr538= (NM_001111019.3); c.4425C>T, p.Thr1475= (NM_001244963.2); c.4356C>T, p.Thr1452= (NM_182964.6).
Identifiers: ClinVar variation 3042577 (VCV003042577.2), dbSNP rs180972839, ClinGen allele CA5918636.
Genomic context (GRCh38, chr11:20,049,181, plus strand): 5'-CATCGCCTCCTCCAAGGACGACTCCTTGACTCCCTTTGTCAGAACTAACAGTGTGAAGAC[C>T]ACACTGTCAGAAAGGTTGGTGCTGTGCCTCTGGCTGCCTTTCTCAGAAAGACACCCTTCC-3'
Protein context (NP_660093.2, residues 1442-1462): TPFVRTNSVK[Thr1452=]TLSESPLSSP

ClinVar aggregate classification (germline): Likely benign (0 of 4 stars; one submission).

Conditions:
NAV2-related disorder. Also called: NAV2-related condition.

Allele frequency attached by ClinVar (database versions not stated): gnomAD exomes 0.00007; gnomAD 0.00011; 1000 Genomes Project 30x 0.00016; 1000 Genomes Project 0.00020; TOPMed 0.00023; ExAC 0.00039.
gnomAD v4.1: 130 of 1,596,488 alleles (0.0081%); highest among the groups gnomAD compares: East Asian, 0.25%; no homozygotes.

Submission:

PreventionGenetics, part of Exact Sciences
Classification: Likely benign for NAV2-related condition. Last evaluated: 2023-04-11. Review status: no assertion criteria provided. Collection method: clinical testing. Allele origin: germline.
Comment: This variant is classified as likely benign based on ACMG/AMP sequence variant interpretation guidelines (Richards et al. 2015 PMID: 25741868, with internal and published modifications).